The following is an entry in ClinVar:

ClinVar aggregate classification (germline): Likely benign (0 of 4 stars; one submission).

Conditions:
FOXD1-related disorder. Also called: FOXD1-related condition.

Allele frequency attached by ClinVar (database versions not stated): gnomAD 0.00001; gnomAD exomes 0.00001; TOPMed 0.00001; ExAC 0.00002.

Submission:

PreventionGenetics, part of Exact Sciences
Classification: Likely benign for FOXD1-related condition. Last evaluated: 2020-03-16. Review status: no assertion criteria provided. Collection method: clinical testing. Allele origin: germline.
Comment: This variant is classified as likely benign based on ACMG/AMP sequence variant interpretation guidelines (Richards et al. 2015 PMID: 25741868, with internal and published modifications).

NM_004472.3(FOXD1):c.486C>T (p.Tyr162=)

Gene: FOXD1 (forkhead box D1; minus strand). Cytogenetic location: 5q13.2.
Variant type: single nucleotide variant.
Coding change: c.486C>T on transcript NM_004472.3 (MANE Select); coding-DNA position 486, C replaced by T.
Protein change: p.Tyr162=; no amino-acid change (tyrosine 162 retained).
Molecular consequence: synonymous variant.
Genome position (GRCh38, 1-based): chr5:73,447,877, G>A on the plus strand (C>T on the coding strand, the complement: FOXD1 is on the minus strand). VCF-style: chr5-73447877-G-A. GRCh37 (hg19) VCF-style: chr5-72743702-G-A.
Identifiers: ClinVar variation 3047224 (VCV003047224.2), dbSNP rs776125421, ClinGen allele CA3303063.
Genomic context (GRCh38, chr5:73,447,877, plus strand): 5'-GCAGTCGTTGAGCGAGAGGTTGTGGCGGATGCTGTTCTGCCAGGCGGGGAACTTCTCCCG[G>A]TAGTAGGGGAAGCGGCCGCTGATGAACTCACAGATCTCGCTCAGCGTCAGCCGCTTCTTG-3'
Protein context (NP_004463.1, residues 152-172): CEFISGRFPY[Tyr162=]REKFPAWQNS